The following is an entry in ClinVar:

ClinVar aggregate classification (germline): Uncertain significance (1 of 4 stars; one submission).

Conditions:
Primary ciliary dyskinesia. Also called: Ciliary dyskinesia. Identifiers: Orphanet 244, MedGen C0008780, MONDO:0016575, HP:0012265.

Allele frequency attached by ClinVar (database versions not stated): TOPMed below 0.00001.

Submission:

Labcorp Genetics (formerly Invitae), Labcorp
Classification: Uncertain significance for Primary ciliary dyskinesia. Last evaluated: 2018-10-24. Review status: criteria provided, single submitter. Criteria: Invitae Variant Classification Sherloc (09022015). Collection method: clinical testing. Allele origin: germline.
Comment: This sequence change replaces serine with asparagine at codon 3240 of the DNAH8 protein (p.Ser3240Asn). The serine residue is highly conserved and there is a small physicochemical difference between serine and asparagine. This variant is not present in population databases (ExAC no frequency). This variant has not been reported in the literature in individuals with DNAH8-related disease. Algorithms developed to predict the effect of missense changes on protein structure and function output the following: SIFT: "Deleterious"; PolyPhen-2: "Not Available"; Align-GVGD: "Class C0". The asparagine amino acid residue is found in multiple mammalian species, suggesting that this missense change does not adversely affect protein function. These predictions have not been confirmed by published functional studies and their clinical significance is uncertain. In summary, the available evidence is currently insufficient to determine the role of this variant in disease. Therefore, it has been classified as a Variant of Uncertain Significance.

NM_001206927.2(DNAH8):c.9719G>A (p.Ser3240Asn)

Genes: DNAH8 (dynein axonemal heavy chain 8; plus strand), DNAH8-AS1 (DNAH8 antisense RNA 1; minus strand). Cytogenetic location: 6p21.2.
Variant type: single nucleotide variant.
Coding change: c.9719G>A on transcript NM_001206927.2 (MANE Select); coding-DNA position 9719, G replaced by A.
Protein change: p.Ser3240Asn; replaces serine 3240 with asparagine.
Molecular consequence: missense variant.
Genome position (GRCh38, 1-based): chr6:38,909,723, G>A. VCF-style: chr6-38909723-G-A. GRCh37 (hg19) VCF-style: chr6-38877499-G-A.
Other names: c.9068G>A, p.Ser3023Asn (NM_001371.4); short protein forms S3023N, S3240N.
Identifiers: ClinVar variation 663666 (VCV000663666.1), dbSNP rs1583326923, ClinGen allele CA364002880.